The following is an entry in ClinVar:

NM_212482.4(FN1):c.5935G>A (p.Asp1979Asn)

Genes: FN1 (fibronectin 1; minus strand), LOC126806496 (CDK7 strongly-dependent group 2 enhancer GRCh37_chr2:216240057-216241256; plus strand). Cytogenetic location: 2q35.
Variant type: single nucleotide variant.
Coding change: c.5935G>A on transcript NM_212482.4 (MANE Select); coding-DNA position 5935, G replaced by A.
Protein change: p.Asp1979Asn; replaces aspartic acid 1979 with asparagine.
Molecular consequence: missense variant.
Genome position (GRCh38, 1-based): chr2:215,375,671, C>T on the plus strand (G>A on the coding strand, the complement: FN1 is on the minus strand). VCF-style: chr2-215375671-C-T. GRCh37 (hg19) VCF-style: chr2-216240394-C-T.
Other names: c.5935G>A, p.Asp1979Asn (NM_001306129.2); c.5665G>A, p.Asp1889Asn (NM_001306130.2, NM_001365517.2, NM_001365519.2 and 2 more transcripts); c.5392G>A, p.Asp1798Asn (NM_001306131.2, NM_001306132.2, NM_001365523.2 and 2 more transcripts); c.5662G>A, p.Asp1888Asn (NM_001365518.2, NM_001365520.2, NM_001365524.2 and 2 more transcripts); short protein forms D1798N, D1888N, D1889N, D1979N.
Identifiers: ClinVar variation 1983178 (VCV001983178.4), dbSNP rs1196022939, ClinGen allele CA350470767.
Genomic context (GRCh38, chr2:215,375,671, plus strand): 5'-AGTAGAAGGTATAGTTACCAGTGGAGGCGTCGATGACCACAGGGGAGCTCCGAGCATTGT[C>T]ATTCAAGGTGTACAGGTAGATCTTGTAGTCAGTGCCTGGTTGTAAACCTGGGATTTGAGA-3'
Protein context (NP_997647.2, residues 1969-1989): DYKIYLYTLN[Asp1979Asn]NARSSPVVID

ClinVar aggregate classification (germline): Uncertain significance (1 of 4 stars; one submission).

Allele frequency attached by ClinVar (database versions not stated): TOPMed below 0.00001; gnomAD 0.00001; gnomAD exomes 0.00001.
gnomAD v4.1: 8 of 1,613,530 alleles (0.0005%); highest among the groups gnomAD compares: Non-Finnish European, 0.00068%; no homozygotes.

Submission:

Labcorp Genetics (formerly Invitae), Labcorp
Classification: Uncertain significance. Last evaluated: 2024-10-26. Review status: criteria provided, single submitter. Criteria: Invitae Variant Classification Sherloc (09022015). Collection method: clinical testing. Allele origin: germline.
Comment: This sequence change replaces aspartic acid, which is acidic and polar, with asparagine, which is neutral and polar, at codon 1979 of the FN1 protein (p.Asp1979Asn). This variant is present in population databases (no rsID available, gnomAD 0.0009%). This variant has not been reported in the literature in individuals affected with FN1-related conditions. ClinVar contains an entry for this variant (Variation ID: 1983178). An algorithm developed to predict the effect of missense changes on protein structure and function outputs the following: PolyPhen-2: "Benign". The asparagine amino acid residue is found in multiple mammalian species, which suggests that this missense change does not adversely affect protein function. In summary, the available evidence is currently insufficient to determine the role of this variant in disease. Therefore, it has been classified as a Variant of Uncertain Significance.